The following is an entry in ClinVar:

ClinVar aggregate classification (germline): Likely pathogenic (1 of 4 stars; one submission).

Conditions:
Microcephaly-intellectual disability-sensorineural hearing loss-epilepsy-abnormal muscle tone syndrome (NEDHSB). Also called: NEURODEVELOPMENTAL DISORDER WITH HEARING LOSS, SEIZURES, AND BRAIN ABNORMALITIES. Identifiers: Orphanet 457351, MedGen C4225276, MONDO:0014698, OMIM 616577.

Submission:

Institute of Human Genetics, University of Leipzig Medical Center
Classification: Likely pathogenic for Microcephaly-intellectual disability-sensorineural hearing loss-epilepsy-abnormal muscle tone syndrome. Last evaluated: 2020-03-01. Review status: criteria provided, single submitter. Criteria: ACMG Guidelines, 2015. Collection method: clinical testing. Allele origin: biparental. Inheritance: Autosomal recessive inheritance. Affected: yes.
Comment: Review of the variants reported in Reuter et al., 2017, PMID: 28097321: PM2,PM3_Supporting,PM5,PP3

NM_145207.3(AFG2A):c.1822_1824del (p.Asp608del)

Gene: AFG2A (AFG2 AAA ATPase homolog A; plus strand). Cytogenetic location: 4q28.1.
Variant type: Deletion.
Coding change: c.1822_1824del on transcript NM_145207.3 (MANE Select); coding-DNA positions 1822 to 1824, 3 bases deleted (GAT; older notation c.1822_1824delGAT).
Protein change: p.Asp608del; deletes aspartic acid 608.
Molecular consequence: inframe deletion.
Genome position (GRCh38, 1-based): chr4:122,979,339-122,979,341, GAT deleted; deleting any 3 consecutive bases within chr4:122,979,337-122,979,341 gives the same sequence; the c. name uses the placement nearest the transcript's 3' end. VCF-style (leftmost placement, unchanged base first): chr4-122979336-AATG-A. GRCh37 (hg19) VCF-style: chr4-123900491-AATG-A.
Other names: c.1819_1821del, p.Asp607del (NM_001317799.2, NM_001345856.2); short protein forms D607del, D608del.
Identifiers: ClinVar variation 984704 (VCV000984704.1), dbSNP rs1725528788, ClinGen allele CA1139658640.